The following is an entry in ClinVar:

NM_198525.3(KIF7):c.1312C>T (p.Arg438Cys)

Gene: KIF7 (kinesin family member 7; minus strand). Cytogenetic location: 15q26.1.
Variant type: single nucleotide variant.
Coding change: c.1312C>T on transcript NM_198525.3 (MANE Select); coding-DNA position 1312, C replaced by T.
Protein change: p.Arg438Cys; replaces arginine 438 with cysteine.
Molecular consequence: missense variant.
Genome position (GRCh38, 1-based): chr15:89,648,386, G>A on the plus strand (C>T on the coding strand, the complement: KIF7 is on the minus strand). VCF-style: chr15-89648386-G-A. GRCh37 (hg19) VCF-style: chr15-90191617-G-A.
Other names: short protein forms R438C.
Identifiers: ClinVar variation 1943163 (VCV001943163.3), dbSNP rs1263045856, ClinGen allele CA393771259.

ClinVar aggregate classification (germline): Uncertain significance. Review status: criteria provided, multiple submitters, no conflicts (2 of 4 stars). 2 submissions from 2 submitters: Uncertain significance (2). Last evaluated 2024-06-18.

Conditions:
Acrocallosal syndrome (ACLS). Also called: HALLUX DUPLICATION, POSTAXIAL POLYDACTYLY, AND ABSENCE OF CORPUS CALLOSUM; Schinzel syndrome 1; Absence of corpus callosum with unusual facial appearance, mental deficiency, duplication of the halluces and polydactyly. Identifiers: Orphanet 36, MedGen C0796147, MONDO:0008708, OMIM 200990.
Multiple epiphyseal dysplasia, Al-Gazali type. Also called: Macrocephaly with multiple epiphyseal dysplasia and distinctive facies. Identifiers: Orphanet 166024, MedGen C1846722, MONDO:0011778, OMIM 607131.
Hydrolethalus syndrome 2 (HLS2). Identifiers: Orphanet 2189, MedGen C3279899, MONDO:0013585, OMIM 614120.

Allele frequency attached by ClinVar (database versions not stated): TOPMed 0.00001; gnomAD 0.00002.

Submissions (2):

Fulgent Genetics
Classification: Uncertain significance for Acrocallosal syndrome; Multiple epiphyseal dysplasia, Al-Gazali type; Hydrolethalus syndrome 2. Last evaluated: 2024-06-18. Review status: criteria provided, single submitter. Criteria: ACMG Guidelines, 2015. Collection method: clinical testing. Allele origin: germline.

Labcorp Genetics (formerly Invitae), Labcorp
Classification: Uncertain significance for Acrocallosal syndrome. Last evaluated: 2022-06-02. Review status: criteria provided, single submitter. Criteria: Invitae Variant Classification Sherloc (09022015). Collection method: clinical testing. Allele origin: germline.
Comment: This sequence change replaces arginine, which is basic and polar, with cysteine, which is neutral and slightly polar, at codon 438 of the KIF7 protein (p.Arg438Cys). This variant is present in population databases (no rsID available, gnomAD 0.01%). This variant has not been reported in the literature in individuals affected with KIF7-related conditions. Algorithms developed to predict the effect of missense changes on protein structure and function are either unavailable or do not agree on the potential impact of this missense change (SIFT: "Deleterious"; PolyPhen-2: "Possibly Damaging"; Align-GVGD: "Class C0"). In summary, the available evidence is currently insufficient to determine the role of this variant in disease. Therefore, it has been classified as a Variant of Uncertain Significance.